The following is an entry in ClinVar:

ClinVar aggregate classification (germline): Likely benign. Review status: criteria provided, multiple submitters, no conflicts (2 of 4 stars). 3 submissions from 3 submitters: Likely benign (3). Last evaluated 2025-11-24.

Conditions:
Multiple epiphyseal dysplasia type 5 (EDM5). Also called: MATN3-Related Multiple Epiphyseal Dysplasia; Microepiphyseal dysplasia, bilateral hereditary. Identifiers: Orphanet 93311, MedGen C1846843, MONDO:0011765, OMIM 607078.

Allele frequency attached by ClinVar (database versions not stated): gnomAD 0.00007 and 0.00008; gnomAD exomes 0.00008; TOPMed 0.00009; ExAC 0.00012; ESP Exome Variant Server 0.00041.
gnomAD v4.1: 135 of 1,606,840 alleles (0.0084%); highest among the groups gnomAD compares: Non-Finnish European, 0.011%; no homozygotes.

Submissions (3):

Labcorp Genetics (formerly Invitae), Labcorp
Classification: Likely benign. Last evaluated: 2025-11-24. Review status: criteria provided, single submitter. Criteria: Invitae Variant Classification Sherloc (09022015). Collection method: clinical testing. Allele origin: germline.

Illumina Laboratory Services, Illumina
Classification: Likely benign for Multiple epiphyseal dysplasia type 5. Last evaluated: 2018-01-13. Review status: criteria provided, single submitter. Criteria: ICSL Variant Classification Criteria 13 December 2019. Collection method: clinical testing. Allele origin: germline.
Comment: This variant was observed in the ICSL laboratory as part of a predisposition screen in an ostensibly healthy population. It had not been previously curated by ICSL or reported in the Human Gene Mutation Database (HGMD: prior to June 1st, 2018), and was therefore a candidate for classification through an automated scoring system. Utilizing variant allele frequency, disease prevalence and penetrance estimates, and inheritance mode, an automated score was calculated to assess if this variant is too frequent to cause the disease. Based on the score and internal cut-off values, a variant classified as likely benign is not then subjected to further curation. The score for this variant resulted in a classification of likely benign for this disease.

Breakthrough Genomics
Classification: Likely benign. Review status: criteria provided, single submitter. Criteria: ACMG Guidelines, 2015. Collection method: not provided. Allele origin: germline. Inheritance: Autosomal recessive inheritance. Affected: yes.

NM_002381.5(MATN3):c.279C>T (p.Ser93=)

Gene: MATN3 (matrilin 3; minus strand). Cytogenetic location: 2p24.1.
Variant type: single nucleotide variant.
Coding change: c.279C>T on transcript NM_002381.5 (MANE Select); coding-DNA position 279, C replaced by T.
Protein change: p.Ser93=; no amino-acid change (serine 93 retained).
Molecular consequence: synonymous variant.
Genome position (GRCh38, 1-based): chr2:20,006,255, G>A on the plus strand (C>T on the coding strand, the complement: MATN3 is on the minus strand). VCF-style: chr2-20006255-G-A. GRCh37 (hg19) VCF-style: chr2-20206016-G-A.
Identifiers: ClinVar variation 333428 (VCV000333428.13), dbSNP rs370980605, ClinGen allele CA1543999.